The following is an entry in ClinVar:

NM_001367721.1(CASK):c.2392C>T (p.Gln798Ter)

Gene: CASK (calcium/calmodulin dependent serine protein kinase; minus strand). Cytogenetic location: Xp11.4.
Variant type: single nucleotide variant.
Coding change: c.2392C>T on transcript NM_001367721.1 (MANE Select); coding-DNA position 2392, C replaced by T.
Protein change: p.Gln798Ter; replaces glutamine 798 with a stop codon.
Molecular consequence: nonsense.
Genome position (GRCh38, 1-based): chrX:41,531,135, G>A on the plus strand (C>T on the coding strand, the complement: CASK is on the minus strand). VCF-style: chrX-41531135-G-A. GRCh37 (hg19) VCF-style: chrX-41390388-G-A.
Other names: c.2308C>T, p.Gln770Ter (NM_001126054.3); c.2305C>T, p.Gln769Ter (NM_001126055.3); c.2374C>T, p.Gln792Ter (NM_001410745.1); c.2377C>T, p.Gln793Ter (NM_003688.4); short protein forms Q793*, Q798*, Q769*, Q770*, Q792*.
Identifiers: ClinVar variation 210585 (VCV000210585.7), dbSNP rs749742837, ClinGen allele CA251308.

ClinVar aggregate classification (germline): Pathogenic (1 of 4 stars; one submission).

Conditions:
Deficiency of butyrylcholinesterase (BCHED). Also called: BCHE, silent 1; Acholinesterasemia; Butyrylcholinesterase deficiency; Deficiency of butyrylcholine esterase. Identifiers: Orphanet 132, MedGen C1283400, MONDO:0015270, OMIM 617936.
Syndromic X-linked intellectual disability Najm type (MICPCH). Also called: Intellectual Disability and Microcephaly with Pontine and Cerebellar Hypoplasia; MICPCH SYNDROME; Intellectual developmental disorder and microcephaly with pontine and cerebellar hypoplasia; Intellectual Disability and Microcephaly with Pontine and Cerebellar Hypoplasia (MICPCH); Mental retardation and microcephaly with pontine and cerebellar hypoplasia; MENTAL RETARDATION, X-LINKED, SYNDROMIC, NAJM TYPE. Identifiers: Orphanet 163937, MedGen C2677903, MONDO:0010417, OMIM 300749.

Submission:

Genetic Services Laboratory, University of Chicago
Classification: Pathogenic for Mental retardation and microcephaly with pontine and cerebellar hypoplasia. Last evaluated: 2015-07-23. Review status: criteria provided, single submitter. Criteria: ACMG Guidelines, 2015. Collection method: clinical testing. Allele origin: germline. Affected: yes.